The following is an entry in ClinVar:

ClinVar aggregate classification (germline): Pathogenic (1 of 4 stars; one submission).

Submission:

Athena Diagnostics
Classification: Pathogenic. Last evaluated: 2023-07-12. Review status: criteria provided, single submitter. Criteria: Athena Diagnostics Criteria. Collection method: clinical testing. Allele origin: unknown.
Comment: This variant is expected to severely impact normal RNA splicing, and consequently, protein structure and/or function. This variant has been identified in at least one individual with clinical features associated with autosomal dominant optic atrophy. This variant has not been reported in large, multi-ethnic general populations.

Literature cited by the submitters: PubMed 23401657.

NM_130837.3(OPA1):c.2779-2A>G

Gene: OPA1 (OPA1 mitochondrial dynamin like GTPase; plus strand). Cytogenetic location: 3q29.
Variant type: single nucleotide variant.
Coding change: c.2779-2A>G on transcript NM_130837.3 (MANE Select); the canonical splice acceptor site of the intron before coding-DNA position 2779, A replaced by G.
Molecular consequence: splice acceptor variant.
Genome position (GRCh38, 1-based): chr3:193,666,294, A>G. VCF-style: chr3-193666294-A-G. GRCh37 (hg19) VCF-style: chr3-193384083-A-G.
Other names: c.2242-2A>G (NM_001354664.2); c.2245-2A>G (NM_001354663.2); c.2668-2A>G (NM_130834.3); c.2725-2A>G (NM_130836.3); c.2614-2A>G (NM_015560.3); c.2671-2A>G (NM_130835.3); c.2560-2A>G (NM_130832.3); c.2617-2A>G (NM_130833.3); and 1 more.
Identifiers: ClinVar variation 2684279 (VCV002684279.1), dbSNP rs2109267841, ClinGen allele CA355795981.